The following is an entry in ClinVar:

NM_033056.4(PCDH15):c.4774C>T (p.Pro1592Ser)

Gene: PCDH15 (protocadherin related 15; minus strand). Cytogenetic location: 10q21.1.
Variant type: single nucleotide variant.
Coding change: c.4774C>T on transcript NM_033056.4 (MANE Plus Clinical); coding-DNA position 4774, C replaced by T.
Protein change: p.Pro1592Ser; replaces proline 1592 with serine.
Molecular consequence: missense variant. On other transcripts: intron variant (8).
Genome position (GRCh38, 1-based): chr10:53,822,952, G>A on the plus strand (C>T on the coding strand, the complement: PCDH15 is on the minus strand). VCF-style: chr10-53822952-G-A. GRCh37 (hg19) VCF-style: chr10-55582712-G-A.
Other names: c.4795C>T, p.Pro1599Ser (NM_001142763.2); c.4780C>T, p.Pro1594Ser (NM_001142764.2); c.4567C>T, p.Pro1523Ser (NM_001142765.2); c.4765C>T, p.Pro1589Ser (NM_001142766.2); c.4654C>T, p.Pro1552Ser (NM_001142767.2); c.4714C>T, p.Pro1572Ser (NM_001142768.2); c.4705C>T, p.Pro1569Ser (NM_001142773.2); c.4708C>T, p.Pro1570Ser (NM_001354404.2); and 6 more; short protein forms P1523S, P1552S, P1569S, P1594S, P1572S, P1589S, P1592S, P1599S.
Identifiers: ClinVar variation 969253 (VCV000969253.6), dbSNP rs773753270, ClinGen allele CA5505193.
Genomic context (GRCh38, chr10:53,822,952, plus strand): 5'-TGTTTTCATTTTCAGCTTTCTGCCTGGTGCCTTGCCACTGCTGCAGATCTATGATCTCTG[G>A]TCTATTTGGAACTTTCCTCATCAGCCTCCTGGGTAAGCTGACTGACTGACTCCACAGCCT-3'
Protein context (NP_149045.3, residues 1582-1602): RRLMRKVPNR[Pro1592Ser]EIIDLQQWQG

ClinVar aggregate classification (germline): Uncertain significance. Review status: criteria provided, multiple submitters, no conflicts (2 of 4 stars). 4 submissions from 4 submitters: Uncertain significance (3). 1 of the submissions does not count toward it. Last evaluated 2025-12-12.

Conditions:
PCDH15-related disorder. Also called: PCDH15-related condition; PCDH15-related disorders.
Inborn genetic diseases. Identifiers: MedGen C0950123, MeSH D030342.
Usher syndrome type 1F (USH1F). Also called: USHER SYNDROME, TYPE IF. Identifiers: Orphanet 231169, Orphanet 886, MedGen C1865885, MONDO:0011186, OMIM 602083.

Allele frequency attached by ClinVar (database versions not stated): gnomAD exomes 0.00004; ExAC 0.00001; TOPMed 0.00003.
gnomAD v4.1: 37 of 1,613,860 alleles (0.0023%); highest among the groups gnomAD compares: Admixed American, 0.015%; no homozygotes.

Submissions (4):

PreventionGenetics, part of Exact Sciences
Classification: Uncertain significance for PCDH15-related condition. Last evaluated: 2025-12-12. Review status: criteria provided, single submitter. Criteria: ACMG Guidelines, 2015. Collection method: clinical testing. Allele origin: germline.
Comment: The PCDH15 c.4774C>T variant is predicted to result in the amino acid substitution p.Pro1592Ser. To our knowledge, this variant has not been reported in the literature. This variant is present in 0.020% of alleles in individuals of Latino descent in gnomAD. At this time, the clinical significance of this variant is uncertain due to the absence of conclusive functional and genetic evidence.

Ambry Genetics
Classification: Uncertain significance for Inborn genetic diseases. Last evaluated: 2025-03-05. Review status: criteria provided, single submitter. Criteria: Ambry Variant Classification Scheme 2023. Collection method: clinical testing. Allele origin: germline.

Labcorp Genetics (formerly Invitae), Labcorp
Classification: Uncertain significance. Last evaluated: 2022-10-24. Review status: criteria provided, single submitter. Criteria: Invitae Variant Classification Sherloc (09022015). Collection method: clinical testing. Allele origin: germline.
Comment: This sequence change replaces proline, which is neutral and non-polar, with serine, which is neutral and polar, at codon 1592 of the PCDH15 protein (p.Pro1592Ser). This variant is present in population databases (rs773753270, gnomAD 0.02%). This variant has not been reported in the literature in individuals affected with PCDH15-related conditions. ClinVar contains an entry for this variant (Variation ID: 969253). Algorithms developed to predict the effect of missense changes on protein structure and function output the following: SIFT: "Tolerated"; PolyPhen-2: "Benign"; Align-GVGD: "Class C0". The serine amino acid residue is found in multiple mammalian species, which suggests that this missense change does not adversely affect protein function. In summary, the available evidence is currently insufficient to determine the role of this variant in disease. Therefore, it has been classified as a Variant of Uncertain Significance.

Natera, Inc.
Classification: Uncertain significance for Usher syndrome type 1F. Last evaluated: 2020-02-21. Review status: no assertion criteria provided. Collection method: clinical testing. Allele origin: germline. Not counted in ClinVar's aggregate classification.